The following is an entry in ClinVar:

ClinVar aggregate classification (germline): Uncertain significance (1 of 4 stars; one submission).

Conditions:
Cardiomyopathy, dilated, 2M. Identifiers: MedGen C6012748, MONDO:0979243, OMIM 621261.

Submission:

Victorian Clinical Genetics Services, Murdoch Childrens Research Institute
Classification: Uncertain significance for Cardiomyopathy, dilated, 2M. Last evaluated: 2025-11-19. Review status: criteria provided, single submitter. Criteria: ACMG Guidelines, 2015. Collection method: clinical testing. Allele origin: germline. Affected: yes.
Comment: This variant is classified as VUS-3A. Evidence in support of pathogenic classification: Non-canonical splice site variant without proven consequence on splicing (no functional evidence available). This variant is synonymous at the protein level; however, it affects the last nucleotide of exon 6 of 13, and may impact splicing. No functional evidence is currently available to determine the consequence on splicing; Variant is absent from gnomAD (v2, v3 and v4); Abnormal splicing is predicted by in silico tool and affected nucleotide is highly conserved. Additional information: This variant is homozygous; This gene is associated with both recessive and dominant disease. Autosomal recessive inheritance leads to a severe early onset phenotype, while autosomal dominant inheritance causes a later onset phenotype (PMID: 32058062, 33949776, 37209000); This variant has no previous evidence of pathogenicity; No published evidence of segregation with disease has been identified for this variant; No published functional evidence has been identified for this variant; No comparable variants at the same nucleotide position have previous evidence for pathogenicity; The mechanism of disease for this gene is not clearly established. However, functional studies have suggested both dominant negative or loss of function mechanisms (PMIDs: 19881492, 20970104, 32814711); Variants in this gene are known to have variable expressivity. Intrafamilial variability has been observed (PMID: 35166435).

Literature cited by the submitters: PubMed 19881492; PubMed 33949776; PubMed 32058062; PubMed 32814711; PubMed 20970104; PubMed 37209000; PubMed 35166435.

NM_144573.4(NEXN):c.489G>A (p.Glu163=)

Gene: NEXN (nexilin F-actin binding protein; plus strand). Cytogenetic location: 1p31.1.
Variant type: single nucleotide variant.
Coding change: c.489G>A on transcript NM_144573.4 (MANE Select); coding-DNA position 489, G replaced by A.
Protein change: p.Glu163=; no amino-acid change (glutamic acid 163 retained).
Molecular consequence: synonymous variant.
Genome position (GRCh38, 1-based): chr1:77,925,229, G>A. VCF-style: chr1-77925229-G-A. GRCh37 (hg19) VCF-style: chr1-78390914-G-A.
Other names: c.297G>A, p.Glu99= (NM_001172309.2).
Identifiers: ClinVar variation 4531684 (VCV004531684.1).